The following is an entry in ClinVar:

ClinVar aggregate classification (germline): Benign (1 of 4 stars; one submission).

Conditions:
Cayman type cerebellar ataxia. Also called: Cayman ataxia. Identifiers: Orphanet 94122, MedGen C1832585, MONDO:0011025, OMIM 601238.

Allele frequency attached by ClinVar (database versions not stated): gnomAD 0.00850 and 0.00916; TOPMed 0.00982; 1000 Genomes Project 0.01098; 1000 Genomes Project 30x 0.01156.

Submission:

Illumina Laboratory Services, Illumina
Classification: Benign for Cayman type cerebellar ataxia. Last evaluated: 2018-01-12. Review status: criteria provided, single submitter. Criteria: ICSL Variant Classification Criteria 13 December 2019. Collection method: clinical testing. Allele origin: germline.
Comment: This variant was observed in the ICSL laboratory as part of a predisposition screen in an ostensibly healthy population. It had not been previously curated by ICSL or reported in the Human Gene Mutation Database (HGMD: prior to June 1st, 2018), and was therefore a candidate for classification through an automated scoring system. Utilizing variant allele frequency, disease prevalence and penetrance estimates, and inheritance mode, an automated score was calculated to assess if this variant is too frequent to cause the disease. Based on the score and internal cut-off values, a variant classified as benign is not then subjected to further curation. The score for this variant resulted in a classification of benign for this disease.

NM_033064.5(ATCAY):c.*3154C>T

Gene: ATCAY (ATCAY kinesin light chain interacting caytaxin; plus strand). Cytogenetic location: 19p13.3.
Variant type: single nucleotide variant.
Coding change: c.*3154C>T on transcript NM_033064.5 (MANE Select); 3154 bases downstream of the stop codon, C replaced by T.
Molecular consequence: 3 prime UTR variant.
Genome position (GRCh38, 1-based): chr19:3,927,746, C>T. VCF-style: chr19-3927746-C-T. GRCh37 (hg19) VCF-style: chr19-3927744-C-T.
Identifiers: ClinVar variation 329201 (VCV000329201.5), dbSNP rs116311313, ClinGen allele CA10652452.